The following is an entry in ClinVar:

ClinVar aggregate classification (germline): Uncertain significance. Review status: criteria provided, multiple submitters, no conflicts (2 of 4 stars). 6 submissions from 6 submitters: Uncertain significance (5). 1 of the submissions does not count toward it. Last evaluated 2025-07-31.

Conditions:
Cystic fibrosis (CF). Also called: MUCOVISCIDOSIS. Identifiers: Orphanet 586, MedGen C0010674, MONDO:0009061, OMIM 219700. Disease mechanism: loss of function.

gnomAD v4.1: 4 of 1,585,098 alleles (0.00025%); highest among the groups gnomAD compares: Middle Eastern, 0.017%; no homozygotes.

Submissions (6):

Labcorp Genetics (formerly Invitae), Labcorp
Classification: Uncertain significance for Cystic fibrosis. Last evaluated: 2025-07-31. Review status: criteria provided, single submitter. Criteria: Invitae Variant Classification Sherloc (09022015). Collection method: clinical testing. Allele origin: germline.
Comment: This sequence change replaces methionine, which is neutral and non-polar, with valine, which is neutral and non-polar, at codon 595 of the CFTR protein (p.Met595Val). This variant is present in population databases (rs750140050, gnomAD 0.004%). This variant has not been reported in the literature in individuals affected with CFTR-related conditions. ClinVar contains an entry for this variant (Variation ID: 439477). Invitae Evidence Modeling of protein sequence and biophysical properties (such as structural, functional, and spatial information, amino acid conservation, physicochemical variation, residue mobility, and thermodynamic stability) indicates that this missense variant is expected to disrupt CFTR protein function with a positive predictive value of 80%. In summary, the available evidence is currently insufficient to determine the role of this variant in disease. Therefore, it has been classified as a Variant of Uncertain Significance.

Genome-Nilou Lab
Classification: Uncertain significance for Cystic fibrosis. Last evaluated: 2021-09-05. Review status: criteria provided, single submitter. Criteria: ACMG Guidelines, 2015. Collection method: clinical testing. Allele origin: germline. Affected: no.

Quest Diagnostics Nichols Institute San Juan Capistrano
Classification: Uncertain significance. Last evaluated: 2021-04-06. Review status: criteria provided, single submitter. Criteria: Quest Diagnostics criteria. Collection method: clinical testing. Allele origin: unknown.

Women's Health and Genetics/Laboratory Corporation of America, LabCorp
Classification: Uncertain significance. Last evaluated: 2018-05-23. Review status: criteria provided, single submitter. Criteria: LabCorp Variant Classification Summary - May 2015. Collection method: clinical testing. Allele origin: germline.
Comment: Variant summary: CFTR c.1783A>G (p.Met595Val) results in a conservative amino acid change located in the C-terminal ATPase domain of the encoded protein sequence (InterPro). Three of five in-silico tools predict a damaging effect of the variant on protein function. The variant allele was found at a frequency of 8.8e-06 in 227450 control chromosomes (gnomAD). This frequency is not higher than expected for a pathogenic variant in CFTR causing Chronic Pancreatitis Risk (8.8e-06 vs 0.0063), allowing no conclusion about variant significance. c.1783A>G has been reported once in the literature to be found in a healthy control (Poulou 2012), but this report does not allow unequivocal conclusions about association of the variant with Chronic Pancreatitis Risk. To our knowledge, no experimental evidence demonstrating an impact on protein function has been reported. One clinical diagnostic laboratory has submitted clinical-significance assessments for this variant to ClinVar after 2014 and classified the variant as uncertain significance. Based on the evidence outlined above, the variant was classified as uncertain significance.

ARUP Laboratories, Molecular Genetics and Genomics, ARUP Laboratories
Classification: Uncertain significance. Last evaluated: 2016-11-21. Review status: criteria provided, single submitter. Criteria: ARUP Molecular Germline Variant Investigation Process. Collection method: clinical testing. Allele origin: germline.

Natera, Inc.
Classification: Uncertain significance for Cystic Fibrosis. Last evaluated: 2020-09-16. Review status: no assertion criteria provided. Collection method: clinical testing. Allele origin: germline. Not counted in ClinVar's aggregate classification.

Literature cited by the submitters: PubMed 22326559 (cited by Quest Diagnostics Nichols Institute San Juan Capistrano and Women's Health and Genetics/Laboratory Corporation of America, LabCorp).

NM_000492.4(CFTR):c.1783A>G (p.Met595Val)

Gene: CFTR (CF transmembrane conductance regulator; plus strand). Cytogenetic location: 7q31.2.
Variant type: single nucleotide variant.
Coding change: c.1783A>G on transcript NM_000492.4 (MANE Select); coding-DNA position 1783, A replaced by G.
Protein change: p.Met595Val; replaces methionine 595 with valine.
Molecular consequence: missense variant.
Genome position (GRCh38, 1-based): chr7:117,591,950, A>G. VCF-style: chr7-117591950-A-G. GRCh37 (hg19) VCF-style: chr7-117232004-A-G.
Other names: short protein forms M595V.
Identifiers: ClinVar variation 439477 (VCV000439477.15), dbSNP rs750140050, ClinGen allele CA4451094.
Genomic context (GRCh38, chr7:117,591,950, plus strand): 5'-AAGTATTTATAAAATTGATATTTATATGTTTTTATATCTTAAAGCTGTGTCTGTAAACTG[A>G]TGGCTAACAAAACTAGGATTTTGGTCACTTCTAAAATGGAACATTTAAAGAAAGCTGACA-3'
Protein context (NP_000483.3, residues 585-605): EIFESCVCKL[Met595Val]ANKTRILVTS